The following is an entry in ClinVar:

ClinVar aggregate classification (germline): Likely benign (1 of 4 stars; one submission).

Allele frequency attached by ClinVar (database versions not stated): TOPMed below 0.00001.

Submission:

GeneDx
Classification: Likely benign. Last evaluated: 2017-10-13. Review status: criteria provided, single submitter. Criteria: GeneDx Variant Classification (06012015). Collection method: clinical testing. Allele origin: germline. Affected: yes.
Comment: This variant is considered likely benign or benign based on one or more of the following criteria: it is a conservative change, it occurs at a poorly conserved position in the protein, it is predicted to be benign by multiple in silico algorithms, and/or has population frequency not consistent with disease.

NM_000038.6(APC):c.-19+18C>T

Gene: APC (APC regulator of WNT signaling pathway; plus strand). Cytogenetic location: 5q22.2.
Variant type: single nucleotide variant.
Coding change: c.-19+18C>T on transcript NM_000038.6 (MANE Select); 18 bases into the intron after 19 bases upstream of the start codon, C replaced by T.
Molecular consequence: intron variant.
Genome position (GRCh38, 1-based): chr5:112,737,943, C>T. VCF-style: chr5-112737943-C-T. GRCh37 (hg19) VCF-style: chr5-112073640-C-T.
Other names: c.-18-16930C>T (NM_001354895.2); c.166-28383C>T (NM_001354897.2, NM_001354902.2, NM_001127511.3); c.-127+18C>T (NM_001127510.3); c.-49+18C>T (NM_001354898.2, NM_001354904.2); c.-1054+18C>T (NM_001354906.2); c.-19+18C>T (NM_001354896.2, NM_001354903.2, NM_001354899.2); c.-43+18C>T (NM_001354900.2, NM_001354901.2, NM_001354905.2).
Identifiers: ClinVar variation 512734 (VCV000512734.1), dbSNP rs968269319, ClinGen allele CA124951947.